The following is an entry in ClinVar:

ClinVar aggregate classification (germline): Conflicting classifications of pathogenicity. Review status: criteria provided, conflicting classifications (1 of 4 stars). 2 submissions from 2 submitters: Uncertain significance (1); Likely benign (1). Last evaluated 2026-01-18.

Allele frequency attached by ClinVar (database versions not stated): ExAC 0.00001; gnomAD 0.00001; gnomAD exomes 0.00002; TOPMed 0.00003.
gnomAD v4.1: 36 of 1,613,904 alleles (0.0022%); highest among the groups gnomAD compares: South Asian, 0.014%; no homozygotes.

Submissions (2):

Labcorp Genetics (formerly Invitae), Labcorp
Classification: Likely benign. Last evaluated: 2026-01-18. Review status: criteria provided, single submitter. Criteria: Invitae Variant Classification Sherloc (09022015). Collection method: clinical testing. Allele origin: germline.

GeneDx
Classification: Uncertain significance. Last evaluated: 2024-04-02. Review status: criteria provided, single submitter. Criteria: GeneDx Variant Classification Process June 2021. Collection method: clinical testing. Allele origin: germline. Affected: yes.
Comment: In silico analysis indicates that this missense variant does not alter protein structure/function; Has not been previously published as pathogenic or benign to our knowledge

NM_000094.4(COL7A1):c.6650G>A (p.Arg2217Gln)

Gene: COL7A1 (collagen type VII alpha 1 chain; minus strand). Cytogenetic location: 3p21.31.
Variant type: single nucleotide variant.
Coding change: c.6650G>A on transcript NM_000094.4 (MANE Select); coding-DNA position 6650, G replaced by A.
Protein change: p.Arg2217Gln; replaces arginine 2217 with glutamine.
Molecular consequence: missense variant.
Genome position (GRCh38, 1-based): chr3:48,573,317, C>T on the plus strand (G>A on the coding strand, the complement: COL7A1 is on the minus strand). VCF-style: chr3-48573317-C-T. GRCh37 (hg19) VCF-style: chr3-48610750-C-T.
Other names: short protein forms R2217Q.
Identifiers: ClinVar variation 2166105 (VCV002166105.5), dbSNP rs745574548, ClinGen allele CA2378900.